The following is an entry in ClinVar:

NM_000260.4(MYO7A):c.3688C>G (p.Arg1230Gly)

Gene: MYO7A (myosin VIIA; plus strand). Cytogenetic location: 11q13.5.
Variant type: single nucleotide variant.
Coding change: c.3688C>G on transcript NM_000260.4 (MANE Select); coding-DNA position 3688, C replaced by G.
Protein change: p.Arg1230Gly; replaces arginine 1230 with glycine.
Molecular consequence: missense variant.
Genome position (GRCh38, 1-based): chr11:77,190,077, C>G. VCF-style: chr11-77190077-C-G. GRCh37 (hg19) VCF-style: chr11-76901122-C-G.
Other names: c.3688C>G (NM_000260.3); c.3688C>G, p.Arg1230Gly (NM_001127180.2); c.3655C>G, p.Arg1219Gly (NM_001369365.1); short protein forms R1219G, R1230G.
Identifiers: ClinVar variation 1414819 (VCV001414819.5), dbSNP rs776862829, ClinGen allele CA6198171.
Genomic context (GRCh38, chr11:77,190,077, plus strand): 5'-CAGTACCTGCGGAACTTCATCCACGGGGGCCCGCCCGGCTACGCCCCGTACTGTGAGGAG[C>G]GCCTGAGAAGGACCTTTGTCAATGGGACACGGACACAGCCGCCCAGCTGGCTGGAGCTGC-3'
Protein context (NP_000251.3, residues 1220-1240): PPGYAPYCEE[Arg1230Gly]LRRTFVNGTR

ClinVar aggregate classification (germline): Uncertain significance. Review status: criteria provided, multiple submitters, no conflicts (2 of 4 stars). 3 submissions from 3 submitters: Uncertain significance (3). Last evaluated 2026-06-04.

Conditions:
MYO7A-related disorder. Also called: MYO7A-related disorders.

gnomAD v4.1: 26 of 1,578,252 alleles (0.0016%); highest among the groups gnomAD compares: Admixed American, 0.0055%; no homozygotes.

Submissions (3):

PreventionGenetics, part of Exact Sciences
Classification: Uncertain significance for MYO7A-related condition. Last evaluated: 2026-06-04. Review status: criteria provided, single submitter. Criteria: ACMG Guidelines, 2015. Collection method: clinical testing. Allele origin: germline.
Comment: The MYO7A c.3688C>G variant is predicted to result in the amino acid substitution p.Arg1230Gly. To our knowledge, this variant has not been reported in the literature. This variant is reported in 0.0035% of alleles in individuals of Latino descent in gnomAD. At this time, the clinical significance of this variant is uncertain due to the absence of conclusive functional and genetic evidence.

Labcorp Genetics (formerly Invitae), Labcorp
Classification: Uncertain significance. Last evaluated: 2025-03-30. Review status: criteria provided, single submitter. Criteria: Invitae Variant Classification Sherloc (09022015). Collection method: clinical testing. Allele origin: germline.
Comment: This sequence change replaces arginine, which is basic and polar, with glycine, which is neutral and non-polar, at codon 1230 of the MYO7A protein (p.Arg1230Gly). This variant is present in population databases (rs776862829, gnomAD 0.004%). This variant has not been reported in the literature in individuals affected with MYO7A-related conditions. ClinVar contains an entry for this variant (Variation ID: 1414819). Invitae Evidence Modeling of protein sequence and biophysical properties (such as structural, functional, and spatial information, amino acid conservation, physicochemical variation, residue mobility, and thermodynamic stability) indicates that this missense variant is expected to disrupt MYO7A protein function with a positive predictive value of 95%. In summary, the available evidence is currently insufficient to determine the role of this variant in disease. Therefore, it has been classified as a Variant of Uncertain Significance.

GeneDx
Classification: Uncertain significance. Last evaluated: 2023-06-14. Review status: criteria provided, single submitter. Criteria: GeneDx Variant Classification Process June 2021. Collection method: clinical testing. Allele origin: germline. Affected: yes.
Comment: In silico analysis supports that this missense variant has a deleterious effect on protein structure/function; Has not been previously published as pathogenic or benign to our knowledge